The following is an entry in ClinVar:

NM_001142864.4(PIEZO1):c.1442G>A (p.Arg481His)

Genes: HSALR1 (HSP90AB1 associated lncRNA 1; plus strand), PIEZO1 (piezo type mechanosensitive ion channel component 1 (Er blood group); minus strand). Cytogenetic location: 16q24.3.
Variant type: single nucleotide variant.
Coding change: c.1442G>A on transcript NM_001142864.4 (MANE Select); coding-DNA position 1442, G replaced by A.
Protein change: p.Arg481His; replaces arginine 481 with histidine.
Molecular consequence: missense variant.
Genome position (GRCh38, 1-based): chr16:88,736,263, C>T on the plus strand (G>A on the coding strand, the complement: PIEZO1 is on the minus strand). VCF-style: chr16-88736263-C-T. GRCh37 (hg19) VCF-style: chr16-88802671-C-T.
Other names: p.Arg481His; short protein forms R481H.
Identifiers: ClinVar variation 1693682 (VCV001693682.31), dbSNP rs947487272, ClinGen allele CA286432648.

ClinVar aggregate classification (germline): Conflicting classifications of pathogenicity. Review status: criteria provided, conflicting classifications (1 of 4 stars). 5 submissions from 5 submitters: Uncertain significance (4); Likely benign (1). Last evaluated 2025-02-27.

Conditions:
Lymphatic malformation 6 (LMPHM6). Also called: PIEZO1-related generalized lymphatic dysplasia with non-immune hydrops fetalis; GENERALIZED LYMPHATIC DYSPLASIA OF FOTIOU; Lymphedema, hereditary, III. Identifiers: Orphanet 568062, MedGen C4225184, MONDO:0014797, OMIM 616843.
Inborn genetic diseases. Identifiers: MedGen C0950123, MeSH D030342.

Allele frequency attached by ClinVar (database versions not stated): gnomAD 0.00003; gnomAD exomes 0.00003 and 0.00004; TOPMed 0.00005.
gnomAD v4.1: 63 of 1,549,826 alleles (0.0041%); highest among the groups gnomAD compares: Middle Eastern, 0.017%; no homozygotes.

Submissions (5):

Ambry Genetics
Classification: Uncertain significance for Inborn genetic diseases. Last evaluated: 2025-02-27. Review status: criteria provided, single submitter. Criteria: Ambry Variant Classification Scheme 2023. Collection method: clinical testing. Allele origin: germline.

Clinical Genomics Laboratory, Washington University in St. Louis
Classification: Uncertain significance for Lymphatic malformation 6. Last evaluated: 2024-07-08. Review status: criteria provided, single submitter. Criteria: ACMG Guidelines, 2015. Collection method: clinical testing. Allele origin: germline.
Comment: A PIEZO1 c.1442G>A (p.Arg481His) variant was identified at a heterozygous allelic fraction, which may be consistent with germline origin. This variant, to our knowledge, has not been reported in the medical literature and is observed on 63/1,549,826 alleles in the general population (gnomAD v.4.1.0), indicating it is not a common variant. This variant has been reported in the ClinVar database as a variant of uncertain significance by two submitters and a likely benign variant by one submitter (ClinVar variation ID:1693682). Computational predictors are uncertain as to the impact of this variant on the PIEZO1 function. Due to limited information, and based on ACMG/AMP guidelines for variant interpretation (Richards S et al., PMID: 25741868), the clinical significance of the PIEZO1 c.1442G>A (p.Arg481His) variant is uncertain at this time.

ARUP Laboratories, Molecular Genetics and Genomics, ARUP Laboratories
Classification: Uncertain significance. Last evaluated: 2023-01-03. Review status: criteria provided, single submitter. Criteria: ARUP Molecular Germline Variant Investigation Process 2024. Collection method: clinical testing. Allele origin: germline.

CeGaT Center for Human Genetics Tuebingen
Classification: Likely benign. Last evaluated: 2022-08-01. Review status: criteria provided, single submitter. Criteria: CeGaT Center For Human Genetics Tuebingen Variant Classification Criteria Version 2. Collection method: clinical testing. Allele origin: germline. Affected: yes. Observed: 1 variant allele.
Comment: PIEZO1: BP4

Mayo Clinic Laboratories, Mayo Clinic
Classification: Uncertain significance. Last evaluated: 2022-01-17. Review status: criteria provided, single submitter. Criteria: ACMG Guidelines, 2015. Collection method: clinical testing. Allele origin: germline.